The following is an entry in ClinVar:

NM_006269.2(RP1):c.502C>G (p.Arg168Gly)

Gene: RP1 (RP1 axonemal microtubule associated; plus strand). Cytogenetic location: 8q12.1.
Variant type: single nucleotide variant.
Coding change: c.502C>G on transcript NM_006269.2 (MANE Select); coding-DNA position 502, C replaced by G.
Protein change: p.Arg168Gly; replaces arginine 168 with glycine.
Molecular consequence: missense variant.
Genome position (GRCh38, 1-based): chr8:54,621,468, C>G. VCF-style: chr8-54621468-C-G. GRCh37 (hg19) VCF-style: chr8-55534028-C-G.
Other names: c.502C>G, p.Arg168Gly (NM_001375654.1); short protein forms R168G.
Identifiers: ClinVar variation 4690468 (VCV004690468.2).

ClinVar aggregate classification (germline): Uncertain significance. Review status: criteria provided, multiple submitters, no conflicts (2 of 4 stars). 2 submissions from 2 submitters: Uncertain significance (2). Last evaluated 2025-09-03.

gnomAD v4.1: 7 of 1,614,022 alleles (0.00043%); highest among the groups gnomAD compares: Non-Finnish European, 0.00059%; no homozygotes.

Submissions (2):

Labcorp Genetics (formerly Invitae), Labcorp
Classification: Uncertain significance. Last evaluated: 2025-09-03. Review status: criteria provided, single submitter. Criteria: Invitae Variant Classification Sherloc (09022015). Collection method: clinical testing. Allele origin: germline.
Comment: This sequence change replaces arginine, which is basic and polar, with glycine, which is neutral and non-polar, at codon 168 of the RP1 protein (p.Arg168Gly). This variant is not present in population databases (gnomAD no frequency). This variant has not been reported in the literature in individuals affected with RP1-related conditions. An algorithm developed to predict the effect of missense changes on protein structure and function (PolyPhen-2) suggests that this variant is likely to be tolerated. In summary, the available evidence is currently insufficient to determine the role of this variant in disease. Therefore, it has been classified as a Variant of Uncertain Significance.

Blueprint Genetics
Classification: Uncertain significance. Last evaluated: 2024-09-04. Review status: criteria provided, single submitter. Criteria: ACMG Guidelines, 2015. Collection method: clinical testing. Allele origin: germline.